The following is an entry in ClinVar:

NM_001330723.2(SNX27):c.556del (p.Tyr186fs)

Gene: SNX27 (sorting nexin 27; plus strand). Cytogenetic location: 1q21.3.
Variant type: Deletion.
Coding change: c.556del on transcript NM_001330723.2 (MANE Select); coding-DNA position 556, one base deleted (T; older notation c.556delT).
Protein change: p.Tyr186fs; shifts the reading frame from tyrosine 186.
Molecular consequence: frameshift variant.
Genome position (GRCh38, 1-based): chr1:151,658,247, T deleted; the last of 3 consecutive T bases (chr1:151,658,245-151,658,247); deleting any one gives the same sequence. VCF-style (leftmost placement, unchanged base first): chr1-151658244-GT-G. GRCh37 (hg19) VCF-style: chr1-151630720-GT-G.
Other names: c.556del, p.Tyr186fs (NM_030918.6); short protein forms Y186fs.
Identifiers: ClinVar variation 3726469 (VCV003726469.2).

ClinVar aggregate classification (germline): Pathogenic (1 of 4 stars; one submission).

Conditions:
Severe myoclonic epilepsy in infancy (DRVT). Also called: Epileptic encephalopathy, early infantile, 6 (Dravet syndrome); Dravet syndrome; SEVERE MYOCLONIC EPILEPSY OF INFANCY; DEVELOPMENTAL AND EPILEPTIC ENCEPHALOPATHY 6A; Severe Myoclonic Epilepsy in Infancy (SMEI). Identifiers: Orphanet 33069, MedGen C0751122, MONDO:0100135, OMIM 607208.

Submission:

Labcorp Genetics (formerly Invitae), Labcorp
Classification: Pathogenic for Severe myoclonic epilepsy in infancy. Last evaluated: 2024-12-02. Review status: criteria provided, single submitter. Criteria: Invitae Variant Classification Sherloc (09022015). Collection method: clinical testing. Allele origin: germline.
Comment: This sequence change creates a premature translational stop signal (p.Tyr186Thrfs*22) in the SNX27 gene. It is expected to result in an absent or disrupted protein product. Loss-of-function variants in SNX27 are known to be pathogenic (PMID: 25894286). This variant is not present in population databases (gnomAD no frequency). This variant has not been reported in the literature in individuals affected with SNX27-related conditions. For these reasons, this variant has been classified as Pathogenic.

Literature cited by the submitters: PubMed 25894286.